The following is an entry in ClinVar:

ClinVar aggregate classification (germline): Uncertain significance (1 of 4 stars; one submission).

Submission:

GeneDx
Classification: Uncertain significance. Last evaluated: 2023-12-07. Review status: criteria provided, single submitter. Criteria: GeneDx Variant Classification Process June 2021. Collection method: clinical testing. Allele origin: germline. Affected: yes.
Comment: Not observed at significant frequency in large population cohorts (gnomAD); In silico analysis supports that this missense variant does not alter protein structure/function; Has not been previously published as pathogenic or benign to our knowledge

NM_005068.3(SIM1):c.2205T>A (p.Asn735Lys)

Gene: SIM1 (SIM bHLH transcription factor 1; minus strand). Cytogenetic location: 6q16.3.
Variant type: single nucleotide variant.
Coding change: c.2205T>A on transcript NM_005068.3 (MANE Select); coding-DNA position 2205, T replaced by A.
Protein change: p.Asn735Lys; replaces asparagine 735 with lysine.
Molecular consequence: missense variant.
Genome position (GRCh38, 1-based): chr6:100,390,457, A>T on the plus strand (T>A on the coding strand, the complement: SIM1 is on the minus strand). VCF-style: chr6-100390457-A-T. GRCh37 (hg19) VCF-style: chr6-100838333-A-T.
Other names: c.2205T>A, p.Asn735Lys (NM_001374769.1); short protein forms N735K.
Identifiers: ClinVar variation 1314039 (VCV001314039.3), dbSNP rs2114457527, ClinGen allele CA365297441.